The following is an entry in ClinVar:

ClinVar aggregate classification (germline): Uncertain significance (1 of 4 stars; one submission).

Conditions:
Hereditary cancer-predisposing syndrome. Also called: Hereditary Cancer Syndrome; Hereditary neoplastic syndrome; Tumor predisposition; Neoplastic Syndromes, Hereditary. Identifiers: Orphanet 140162, MedGen C0027672, MeSH D009386, MONDO:0015356.

gnomAD v4.1: 1 of 1,613,920 alleles (0.000062%); highest among the groups gnomAD compares: Non-Finnish European, 0.000085%; no homozygotes.

Submission:

Ambry Genetics
Classification: Uncertain significance for Hereditary cancer-predisposing syndrome. Last evaluated: 2021-03-24. Review status: criteria provided, single submitter. Criteria: Ambry Variant Classification Scheme 2023. Collection method: clinical testing. Allele origin: germline.
Comment: The p.R777L variant (also known as c.2330G>T), located in coding exon 15 of the BRIP1 gene, results from a G to T substitution at nucleotide position 2330. The arginine at codon 777 is replaced by leucine, an amino acid with dissimilar properties. This amino acid position is highly conserved in available vertebrate species. In addition, this alteration is predicted to be deleterious by in silico analysis. Since supporting evidence is limited at this time, the clinical significance of this alteration remains unclear.

NM_032043.3(BRIP1):c.2330G>T (p.Arg777Leu)

Gene: BRIP1 (BRCA1 interacting DNA helicase 1; minus strand). Cytogenetic location: 17q23.2.
Variant type: single nucleotide variant.
Coding change: c.2330G>T on transcript NM_032043.3 (MANE Select); coding-DNA position 2330, G replaced by T.
Protein change: p.Arg777Leu; replaces arginine 777 with leucine.
Molecular consequence: missense variant.
Genome position (GRCh38, 1-based): chr17:61,743,062, C>A on the plus strand (G>T on the coding strand, the complement: BRIP1 is on the minus strand). VCF-style: chr17-61743062-C-A. GRCh37 (hg19) VCF-style: chr17-59820423-C-A.
Other names: short protein forms R777L.
Identifiers: ClinVar variation 1789719 (VCV001789719.2), dbSNP rs747568830, ClinGen allele CA400482619.